The following is an entry in ClinVar:

ClinVar aggregate classification (germline): Likely benign (1 of 4 stars; one submission).

gnomAD v4.1: 505 of 1,614,180 alleles (0.031%); highest among the groups gnomAD compares: Middle Eastern, 0.78%; 2 homozygotes.

Submission:

CeGaT Center for Human Genetics Tuebingen
Classification: Likely benign. Last evaluated: 2026-03-01. Review status: criteria provided, single submitter. Criteria: CeGaT Center For Human Genetics Tuebingen Variant Classification Criteria Version 2. Collection method: clinical testing. Allele origin: germline. Affected: yes. Observed: 1 variant allele.
Comment: TTC21A: BP4, BP7

NM_001366900.1(TTC21A):c.1707C>T (p.Leu569=)

Gene: TTC21A (tetratricopeptide repeat domain 21A; plus strand). Cytogenetic location: 3p22.2.
Variant type: single nucleotide variant.
Coding change: c.1707C>T on transcript NM_001366900.1 (MANE Select); coding-DNA position 1707, C replaced by T.
Protein change: p.Leu569=; no amino-acid change (leucine 569 retained).
Molecular consequence: synonymous variant. On other transcripts: non-coding transcript variant (3).
Genome position (GRCh38, 1-based): chr3:39,128,743, C>T. VCF-style: chr3-39128743-C-T. GRCh37 (hg19) VCF-style: chr3-39170234-C-T.
Other names: c.1584C>T, p.Leu528= (NM_001105513.3); c.1731C>T, p.Leu577= (NM_001366899.1); c.1728C>T, p.Leu576= (NM_145755.3).
Identifiers: ClinVar variation 4821162 (VCV004821162.4).